The following is an entry in ClinVar:

ClinVar aggregate classification (germline): Benign/Likely benign. Review status: criteria provided, multiple submitters, no conflicts (2 of 4 stars). 3 submissions from 3 submitters: Benign (1); Likely benign (2). Last evaluated 2025-11-13.

Allele frequency attached by ClinVar (database versions not stated): gnomAD 0.00074 and 0.00101; gnomAD exomes 0.00079 and 0.00160; ExAC 0.00173; 1000 Genomes Project 30x 0.00297; 1000 Genomes Project 0.00359; ESP Exome Variant Server 0.00023; TOPMed 0.00064.
gnomAD v4.1: 1,339 of 1,614,118 alleles (0.083%); highest among the groups gnomAD compares: East Asian, 1.3%; 13 homozygotes.

Submissions (3):

Labcorp Genetics (formerly Invitae), Labcorp
Classification: Benign. Last evaluated: 2025-11-13. Review status: criteria provided, single submitter. Criteria: Invitae Variant Classification Sherloc (09022015). Collection method: clinical testing. Allele origin: germline.

Blueprint Genetics
Classification: Likely benign. Last evaluated: 2024-11-15. Review status: criteria provided, single submitter. Criteria: ACMG Guidelines, 2015. Collection method: clinical testing. Allele origin: germline.

CeGaT Center for Human Genetics Tuebingen
Classification: Likely benign. Last evaluated: 2024-10-01. Review status: criteria provided, single submitter. Criteria: CeGaT Center For Human Genetics Tuebingen Variant Classification Criteria Version 2. Collection method: clinical testing. Allele origin: germline. Affected: yes. Observed: 1 variant allele.
Comment: TTLL5: BP4, BP7, BS1

NM_015072.5(TTLL5):c.1576T>C (p.Leu526=)

Gene: TTLL5 (tubulin tyrosine ligase like 5; plus strand). Cytogenetic location: 14q24.3.
Variant type: single nucleotide variant.
Coding change: c.1576T>C on transcript NM_015072.5 (MANE Select); coding-DNA position 1576, T replaced by C.
Protein change: p.Leu526=; no amino-acid change (leucine 526 retained).
Molecular consequence: synonymous variant.
Genome position (GRCh38, 1-based): chr14:75,764,640, T>C. VCF-style: chr14-75764640-T-C. GRCh37 (hg19) VCF-style: chr14-76230983-T-C.
Identifiers: ClinVar variation 1166698 (VCV001166698.24), dbSNP rs2288142, ClinGen allele CA7279467.